The following is an entry in ClinVar:

ClinVar aggregate classification (germline): Uncertain significance. Review status: criteria provided, multiple submitters, no conflicts (2 of 4 stars). 2 submissions from 2 submitters: Uncertain significance (2). Last evaluated 2025-01-29.

Conditions:
Inborn genetic diseases. Identifiers: MedGen C0950123, MeSH D030342.

Allele frequency attached by ClinVar (database versions not stated): gnomAD exomes 0.00001; TOPMed 0.00001; ExAC 0.00002; gnomAD 0.00002.
gnomAD v4.1: 12 of 1,613,042 alleles (0.00074%); highest among the groups gnomAD compares: East Asian, 0.0022%; no homozygotes.

Submissions (2):

Labcorp Genetics (formerly Invitae), Labcorp
Classification: Uncertain significance. Last evaluated: 2025-01-29. Review status: criteria provided, single submitter. Criteria: Invitae Variant Classification Sherloc (09022015). Collection method: clinical testing. Allele origin: germline.
Comment: This sequence change replaces alanine, which is neutral and non-polar, with threonine, which is neutral and polar, at codon 588 of the NEFH protein (p.Ala588Thr). This variant is present in population databases (rs762622520, gnomAD 0.01%). This variant has not been reported in the literature in individuals affected with NEFH-related conditions. ClinVar contains an entry for this variant (Variation ID: 1779607). Invitae Evidence Modeling of protein sequence and biophysical properties (such as structural, functional, and spatial information, amino acid conservation, physicochemical variation, residue mobility, and thermodynamic stability) indicates that this missense variant is not expected to disrupt NEFH protein function with a negative predictive value of 95%. In summary, the available evidence is currently insufficient to determine the role of this variant in disease. Therefore, it has been classified as a Variant of Uncertain Significance.

Ambry Genetics
Classification: Uncertain significance for Inborn genetic diseases. Last evaluated: 2021-08-31. Review status: criteria provided, single submitter. Criteria: Ambry Variant Classification Scheme 2023. Collection method: clinical testing. Allele origin: germline.
Comment: The p.A588T variant (also known as c.1762G>A), located in coding exon 4 of the NEFH gene, results from a G to A substitution at nucleotide position 1762. The alanine at codon 588 is replaced by threonine, an amino acid with similar properties. This amino acid position is conserved. In addition, this alteration is predicted to be tolerated by in silico analysis. Since supporting evidence is limited at this time, the clinical significance of this alteration remains unclear.

NM_021076.4(NEFH):c.1762G>A (p.Ala588Thr)

Gene: NEFH (neurofilament heavy chain; plus strand). Cytogenetic location: 22q12.2.
Variant type: single nucleotide variant.
Coding change: c.1762G>A on transcript NM_021076.4 (MANE Select); coding-DNA position 1762, G replaced by A.
Protein change: p.Ala588Thr; replaces alanine 588 with threonine.
Molecular consequence: missense variant.
Genome position (GRCh38, 1-based): chr22:29,489,402, G>A. VCF-style: chr22-29489402-G-A. GRCh37 (hg19) VCF-style: chr22-29885391-G-A.
Other names: short protein forms A588T.
Identifiers: ClinVar variation 1779607 (VCV001779607.7), dbSNP rs762622520, ClinGen allele CA10174273.